The following is an entry in ClinVar:

ClinVar aggregate classification (germline): Uncertain significance. Review status: criteria provided, multiple submitters, no conflicts (2 of 4 stars). 3 submissions from 3 submitters: Uncertain significance (3). Last evaluated 2023-05-20.

Conditions:
Epilepsy, childhood absence, susceptibility to, 1. Also called: Epilepsy, childhood absence 1. Identifiers: Orphanet 64280, MedGen C1838604, MONDO:0020759, OMIM 600131.
Epilepsy, childhood absence, susceptibility to, 5. Identifiers: Orphanet 64280, MedGen C2677087, MONDO:0012843, OMIM 612269.

Submissions (3):

Labcorp Genetics (formerly Invitae), Labcorp
Classification: Uncertain significance for Epilepsy, childhood absence, susceptibility to, 5; Epilepsy, childhood absence, susceptibility to, 1. Last evaluated: 2023-05-20. Review status: criteria provided, single submitter. Criteria: Invitae Variant Classification Sherloc (09022015). Collection method: clinical testing. Allele origin: germline.
Comment: This sequence change replaces methionine, which is neutral and non-polar, with isoleucine, which is neutral and non-polar, at codon 162 of the GABRB3 protein (p.Met162Ile). In summary, the available evidence is currently insufficient to determine the role of this variant in disease. Therefore, it has been classified as a Variant of Uncertain Significance. Advanced modeling of protein sequence and biophysical properties (such as structural, functional, and spatial information, amino acid conservation, physicochemical variation, residue mobility, and thermodynamic stability) performed at Invitae indicates that this missense variant is expected to disrupt GABRB3 protein function. ClinVar contains an entry for this variant (Variation ID: 1342889). This variant has not been reported in the literature in individuals affected with GABRB3-related conditions. This variant is not present in population databases (gnomAD no frequency).

GeneDx
Classification: Uncertain significance. Last evaluated: 2022-10-17. Review status: criteria provided, single submitter. Criteria: GeneDx Variant Classification Process June 2021. Collection method: clinical testing. Allele origin: germline. Affected: yes.
Comment: Not observed at significant frequency in large population cohorts (gnomAD); In silico analysis supports that this missense variant has a deleterious effect on protein structure/function; Has not been previously published as pathogenic or benign to our knowledge

Institute of Human Genetics, University of Leipzig Medical Center
Classification: Uncertain significance for Epilepsy, childhood absence, susceptibility to, 5. Last evaluated: 2022-02-03. Review status: criteria provided, single submitter. Criteria: ACMG Guidelines, 2015. Collection method: clinical testing. Allele origin: paternal. Affected: yes.

NM_000814.6(GABRB3):c.486G>C (p.Met162Ile)

Gene: GABRB3 (gamma-aminobutyric acid type A receptor subunit beta3; minus strand). Cytogenetic location: 15q12.
Variant type: single nucleotide variant.
Coding change: c.486G>C on transcript NM_000814.6 (MANE Select); coding-DNA position 486, G replaced by C.
Protein change: p.Met162Ile; replaces methionine 162 with isoleucine.
Molecular consequence: missense variant.
Genome position (GRCh38, 1-based): chr15:26,583,390, C>G on the plus strand (G>C on the coding strand, the complement: GABRB3 is on the minus strand). VCF-style: chr15-26583390-C-G. GRCh37 (hg19) VCF-style: chr15-26828537-C-G.
Other names: c.231G>C, p.Met77Ile (NM_001191320.2, NM_001278631.2); c.273G>C, p.Met91Ile (NM_001191321.3); c.486G>C, p.Met162Ile (NM_021912.5); c.486G>C (NM_000814.5); short protein forms M162I, M77I, M91I.
Identifiers: ClinVar variation 1342889 (VCV001342889.6), dbSNP rs2140737836, ClinGen allele CA391458099.